The following is an entry in ClinVar:

ClinVar aggregate classification (germline): Uncertain significance (1 of 4 stars; one submission).

Conditions:
Congenital multicore myopathy with external ophthalmoplegia (CMYO1B). Also called: Congenital myopathy 1B, autosomal recessive; Minicore myopathy; MULTIMINICORE DISEASE WITH EXTERNAL OPHTHALMOPLEGIA; MULTICORE MYOPATHY; Minicore myopathy with external ophthalmoplegia. Identifiers: Orphanet 598, Orphanet 98905, MedGen C1850674, MONDO:0009712, OMIM 255320, HP:0003789.

Submission:

3billion
Classification: Uncertain significance for Congenital multicore myopathy with external ophthalmoplegia. Last evaluated: 2025-12-17. Review status: criteria provided, single submitter. Criteria: ACMG Guidelines, 2015. Collection method: clinical testing. Allele origin: germline. Affected: yes.
Comment: The variant is not observed in the gnomAD v4.1.0 dataset. Predicted Consequence/Location: The variant is located in a mutational hot spot and/or well-established functional domain in which established pathogenic variants have been reported (PMID: 33767344). In silico tool predictions suggest damaging effect of the variant on gene or gene product [REVEL: 0.87 (>=0.6, sensitivity 0.68 and specificity 0.92)]. Therefore, this variant is classified as VUS according to the recommendation of ACMG/AMP guideline.

NM_000540.3(RYR1):c.1651G>C (p.Asp551His)

Gene: RYR1 (ryanodine receptor 1; plus strand). Cytogenetic location: 19q13.2.
Variant type: single nucleotide variant.
Coding change: c.1651G>C on transcript NM_000540.3 (MANE Select); coding-DNA position 1651, G replaced by C.
Protein change: p.Asp551His; replaces aspartic acid 551 with histidine.
Molecular consequence: missense variant.
Genome position (GRCh38, 1-based): chr19:38,455,525, G>C. VCF-style: chr19-38455525-G-C. GRCh37 (hg19) VCF-style: chr19-38946165-G-C.
Other names: c.1651G>C, p.Asp551His (NM_001042723.2); short protein forms D551H.
Identifiers: ClinVar variation 4853931 (VCV004853931.1).